The following is an entry in ClinVar:

NM_003816.3(ADAM9):c.399T>A (p.Cys133Ter)

Gene: ADAM9 (ADAM metallopeptidase domain 9; plus strand). Cytogenetic location: 8p11.22.
Variant type: single nucleotide variant.
Coding change: c.399T>A on transcript NM_003816.3 (MANE Select); coding-DNA position 399, T replaced by A.
Protein change: p.Cys133Ter; replaces cysteine 133 with a stop codon.
Molecular consequence: nonsense. On other transcripts: non-coding transcript variant (3).
Genome position (GRCh38, 1-based): chr8:39,016,183, T>A. VCF-style: chr8-39016183-T-A. GRCh37 (hg19) VCF-style: chr8-38873702-T-A.
Other names: short protein forms C133*.
Identifiers: ClinVar variation 2798666 (VCV002798666.3), dbSNP rs1188975716, ClinGen allele CA370753167.
Genomic context (GRCh38, chr8:39,016,183, plus strand): 5'-TTGTCATTATCGGGGCTATGTGGAGGGAGTTCATAATTCATCCATTGCTCTTAGCGACTG[T>A]TTTGGACTCAGGTAAGCAATTTCCTTTATCTTCTTTTTTTTTGTTTCCCCTATGTCTTAC-3'

ClinVar aggregate classification (germline): Pathogenic (1 of 4 stars; one submission).

Allele frequency attached by ClinVar (database versions not stated): gnomAD exomes below 0.00001; TOPMed below 0.00001.
gnomAD v4.1: 2 of 1,613,664 alleles (0.00012%); highest among the groups gnomAD compares: Admixed American, 0.0033%; no homozygotes.

Submission:

Labcorp Genetics (formerly Invitae), Labcorp
Classification: Pathogenic. Last evaluated: 2023-03-20. Review status: criteria provided, single submitter. Criteria: Invitae Variant Classification Sherloc (09022015). Collection method: clinical testing. Allele origin: germline.
Comment: This sequence change creates a premature translational stop signal (p.Cys133*) in the ADAM9 gene. It is expected to result in an absent or disrupted protein product. Loss-of-function variants in ADAM9 are known to be pathogenic (PMID: 19409519). This variant is present in population databases (no rsID available, gnomAD 0.006%). This variant has not been reported in the literature in individuals affected with ADAM9-related conditions. For these reasons, this variant has been classified as Pathogenic.

Literature cited by the submitters: PubMed 19409519.